The following is an entry in ClinVar:

ClinVar aggregate classification (germline): Benign/Likely benign. Review status: criteria provided, multiple submitters, no conflicts (2 of 4 stars). 4 submissions from 4 submitters: Benign (2); Likely benign (1). 1 of the submissions does not count toward it. Last evaluated 2024-10-22.

Conditions:
RERE-related disorder. Also called: RERE-related condition; RERE-Related Disorders. Identifiers: MedGen CN381537.

Allele frequency attached by ClinVar (database versions not stated): ESP Exome Variant Server 0.00210; TOPMed 0.00776; 1000 Genomes Project 0.00799; 1000 Genomes Project 30x 0.00921.
gnomAD v4.1: 1,293 of 961,370 alleles (0.13%); highest among the groups gnomAD compares: African/African-American, 2.1%; 20 homozygotes.

Submissions (4):

Blueprint Genetics
Classification: Likely benign. Last evaluated: 2024-10-22. Review status: criteria provided, single submitter. Criteria: ACMG Guidelines, 2015. Collection method: clinical testing. Allele origin: germline.

Center for Pediatric Genomic Medicine, Children's Mercy Hospital and Clinics
Classification: Benign. Last evaluated: 2017-05-30. Review status: criteria provided, single submitter. Criteria: ACMG Guidelines, 2015. Collection method: clinical testing. Allele origin: germline.

Breakthrough Genomics
Classification: Benign. Review status: criteria provided, single submitter. Criteria: ACMG Guidelines, 2015. Collection method: not provided. Allele origin: germline. Inheritance: Autosomal dominant inheritance. Affected: yes.

PreventionGenetics, part of Exact Sciences
Classification: Benign for RERE-related condition. Last evaluated: 2023-03-13. Review status: no assertion criteria provided. Collection method: clinical testing. Allele origin: germline. Not counted in ClinVar's aggregate classification.
Comment: This variant is classified as benign based on ACMG/AMP sequence variant interpretation guidelines (Richards et al. 2015 PMID: 25741868, with internal and published modifications).

NM_001042681.2(RERE):c.3064C>G (p.Pro1022Ala)

Gene: RERE (arginine-glutamic acid dipeptide repeats; minus strand). Cytogenetic location: 1p36.23.
Variant type: single nucleotide variant.
Coding change: c.3064C>G on transcript NM_001042681.2 (MANE Select); coding-DNA position 3064, C replaced by G.
Protein change: p.Pro1022Ala; replaces proline 1022 with alanine.
Molecular consequence: missense variant.
Genome position (GRCh38, 1-based): chr1:8,360,443, G>C on the plus strand (C>G on the coding strand, the complement: RERE is on the minus strand). VCF-style: chr1-8360443-G-C. GRCh37 (hg19) VCF-style: chr1-8420503-G-C.
Other names: c.1402C>G, p.Pro468Ala (NM_001042682.2); c.3064C>G, p.Pro1022Ala (NM_012102.4); c.3064C>G (NM_012102.3); short protein forms P1022A, P468A.
Identifiers: ClinVar variation 445630 (VCV000445630.6), dbSNP rs202121539, ClinGen allele CA571254.